The following is an entry in ClinVar:

ClinVar aggregate classification (germline): Uncertain significance (1 of 4 stars; one submission).

Allele frequency attached by ClinVar (database versions not stated): TOPMed below 0.00001; gnomAD exomes 0.00001.
gnomAD v4.1: 8 of 1,613,858 alleles (0.0005%); highest among the groups gnomAD compares: Non-Finnish European, 0.00068%; no homozygotes.

Submission:

Labcorp Genetics (formerly Invitae), Labcorp
Classification: Uncertain significance. Last evaluated: 2022-03-22. Review status: criteria provided, single submitter. Criteria: Invitae Variant Classification Sherloc (09022015). Collection method: clinical testing. Allele origin: germline.
Comment: Algorithms developed to predict the effect of missense changes on protein structure and function (SIFT, PolyPhen-2, Align-GVGD) all suggest that this variant is likely to be tolerated. This sequence change replaces serine, which is neutral and polar, with glycine, which is neutral and non-polar, at codon 2072 of the CACNA1D protein (p.Ser2072Gly). This variant is not present in population databases (gnomAD no frequency). This variant has not been reported in the literature in individuals affected with CACNA1D-related conditions. In summary, the available evidence is currently insufficient to determine the role of this variant in disease. Therefore, it has been classified as a Variant of Uncertain Significance.

NM_001128840.3(CACNA1D):c.6154A>G (p.Ser2052Gly)

Gene: CACNA1D (calcium voltage-gated channel subunit alpha1 D; plus strand). Cytogenetic location: 3p21.1.
Variant type: single nucleotide variant.
Coding change: c.6154A>G on transcript NM_001128840.3 (MANE Select); coding-DNA position 6154, A replaced by G.
Protein change: p.Ser2052Gly; replaces serine 2052 with glycine.
Molecular consequence: missense variant.
Genome position (GRCh38, 1-based): chr3:53,810,260, A>G. VCF-style: chr3-53810260-A-G. GRCh37 (hg19) VCF-style: chr3-53844287-A-G.
Other names: c.6214A>G, p.Ser2072Gly (NM_000720.4); c.6082A>G, p.Ser2028Gly (NM_001128839.3); short protein forms S2028G, S2072G, S2052G.
Identifiers: ClinVar variation 1475047 (VCV001475047.6), dbSNP rs1306456002, ClinGen allele CA353258743.